The following is an entry in ClinVar:

ClinVar aggregate classification (germline): Uncertain significance (1 of 4 stars; one submission).

Conditions:
Episodic ataxia type 2 (EA2). Also called: ACETAZOLAMIDE-RESPONSIVE HEREDITARY PAROXYSMAL CEREBELLAR ATAXIA; EPISODIC ATAXIA, NYSTAGMUS-ASSOCIATED; ATAXIA, EPISODIC, WITH NYSTAGMUS; ATAXIA, FAMILIAL PAROXYSMAL; CEREBELLAR ATAXIA, PAROXYSMAL, ACETAZOLAMIDE-RESPONSIVE; CEREBELLOPATHY, HEREDITARY PAROXYSMAL. Identifiers: Orphanet 97, MedGen C1720416, MONDO:0007163, OMIM 108500.
Developmental and epileptic encephalopathy, 42 (DEE42A). Also called: DEVELOPMENTAL AND EPILEPTIC ENCEPHALOPATHY 42A; EPILEPTIC ENCEPHALOPATHY, EARLY INFANTILE, 42A; Epileptic encephalopathy, early infantile, 42. Identifiers: MedGen C4310716, MONDO:0014917, OMIM 617106.

Submission:

Labcorp Genetics (formerly Invitae), Labcorp
Classification: Uncertain significance for Developmental and epileptic encephalopathy, 42; Episodic ataxia type 2. Last evaluated: 2022-01-15. Review status: criteria provided, single submitter. Criteria: Invitae Variant Classification Sherloc (09022015). Collection method: clinical testing. Allele origin: germline.
Comment: In summary, the available evidence is currently insufficient to determine the role of this variant in disease. Therefore, it has been classified as a Variant of Uncertain Significance. This sequence change replaces valine, which is neutral and non-polar, with glutamic acid, which is acidic and polar, at codon 1366 of the CACNA1A protein (p.Val1366Glu). This variant is not present in population databases (gnomAD no frequency). This variant has not been reported in the literature in individuals affected with CACNA1A-related conditions. Advanced modeling of protein sequence and biophysical properties (such as structural, functional, and spatial information, amino acid conservation, physicochemical variation, residue mobility, and thermodynamic stability) performed at Invitae indicates that this missense variant is expected to disrupt CACNA1A protein function.

NM_001127222.2(CACNA1A):c.4094T>A (p.Val1365Glu)

Genes: CACNA1A (calcium voltage-gated channel subunit alpha1 A; minus strand), LOC126862864 (MED14-independent group 3 enhancer GRCh37_chr19:13371552-13372751; plus strand). Cytogenetic location: 19p13.13.
Variant type: single nucleotide variant.
Coding change: c.4094T>A on transcript NM_001127222.2 (MANE Select); coding-DNA position 4094, T replaced by A.
Protein change: p.Val1365Glu; replaces valine 1365 with glutamic acid.
Molecular consequence: missense variant.
Genome position (GRCh38, 1-based): chr19:13,261,606, A>T on the plus strand (T>A on the coding strand, the complement: CACNA1A is on the minus strand). VCF-style: chr19-13261606-A-T. GRCh37 (hg19) VCF-style: chr19-13372420-A-T.
Other names: c.4106T>A, p.Val1369Glu (NM_000068.4, NM_023035.3); c.4097T>A, p.Val1366Glu (NM_001127221.2, NM_001174080.2); short protein forms V1369E, V1365E, V1366E.
Identifiers: ClinVar variation 1438760 (VCV001438760.6), dbSNP rs2144767656, ClinGen allele CA404339887.